The following is an entry in ClinVar:

ClinVar aggregate classification (germline): Likely benign (1 of 4 stars; one submission).

Conditions:
LRRC45-related disorder. Also called: LRRC45-related condition.

gnomAD v4.1: 53 of 1,550,324 alleles (0.0034%); highest among the groups gnomAD compares: Non-Finnish European, 0.0042%; no homozygotes.

Submission:

PreventionGenetics, part of Exact Sciences
Classification: Likely benign for LRRC45-related condition. Last evaluated: 2025-06-14. Review status: criteria provided, single submitter. Criteria: ACMG Guidelines, 2015. Collection method: clinical testing. Allele origin: germline.
Comment: This variant is classified as likely benign based on ACMG/AMP sequence variant interpretation guidelines (Richards et al. 2015 PMID: 25741868, with internal and published modifications).

NM_144999.4(LRRC45):c.72G>A (p.Leu24=)

Gene: LRRC45 (leucine rich repeat containing 45; plus strand). Cytogenetic location: 17q25.3.
Variant type: single nucleotide variant.
Coding change: c.72G>A on transcript NM_144999.4 (MANE Select); coding-DNA position 72, G replaced by A.
Protein change: p.Leu24=; no amino-acid change (leucine 24 retained).
Molecular consequence: synonymous variant.
Genome position (GRCh38, 1-based): chr17:82,023,715, G>A. VCF-style: chr17-82023715-G-A. GRCh37 (hg19) VCF-style: chr17-79981591-G-A.
Identifiers: ClinVar variation 4988062 (VCV004988062.1).